The following is an entry in ClinVar:

NM_001042492.3(NF1):c.5806_5812del (p.Lys1936fs)

Gene: NF1 (neurofibromin 1; plus strand). Cytogenetic location: 17q11.2.
Variant type: Deletion.
Coding change: c.5806_5812del on transcript NM_001042492.3 (MANE Select); coding-DNA positions 5806 to 5812, 7 bases deleted (AAATCTA; older notation c.5806_5812delAAATCTA).
Protein change: p.Lys1936fs; shifts the reading frame from lysine 1936.
Molecular consequence: frameshift variant.
Genome position (GRCh38, 1-based): chr17:31,330,492-31,330,498, AAATCTA deleted. VCF-style (leftmost placement, unchanged base first): chr17-31330491-CAAATCTA-C. GRCh37 (hg19) VCF-style: chr17-29657509-CAAATCTA-C.
Other names: c.5743_5749delAAATCTA (NM_000267.3); c.5743_5749delAAATCTA, p.Lys1915Valfs (NM_000267.4); short protein forms K1915fs, K1936fs.
Identifiers: ClinVar variation 817404 (VCV000817404.1), dbSNP rs1597834959, ClinGen allele CA915949864.

ClinVar aggregate classification (germline): Pathogenic (1 of 4 stars; one submission).

Submission:

GeneDx
Classification: Pathogenic. Last evaluated: 2019-01-22. Review status: criteria provided, single submitter. Criteria: GeneDx Variant Classification (06012015). Collection method: clinical testing. Allele origin: germline. Affected: yes.
Comment: The c.5743_5749delAAATCTA variant in the NF1 gene has not been previously reported to our knowledge. This variant causes a frameshift starting with codon Lysine 1915, changes this amino acid to a Valine residue and creates a premature Stop codon at position 4 of the new reading frame, denoted p.Lys1915ValfsX4. This variant is predicted to cause loss of normal protein function either through protein truncation or nonsense-mediated mRNA decay. The c.5743_5749delAAATCTA variant is not observed in large population cohorts (Lek et al., 2016). In summary, we consider this variant to be pathogenic.